The following is an entry in ClinVar:

NM_005085.4(NUP214):c.1735_1736delinsAT (p.Ser579Ile)

Gene: NUP214 (nucleoporin 214; plus strand). Cytogenetic location: 9q34.13.
Variant type: Indel.
Coding change: c.1735_1736delinsAT on transcript NM_005085.4 (MANE Select); coding-DNA positions 1735 to 1736, TC replaced by AT.
Protein change: p.Ser579Ile; replaces serine 579 with isoleucine.
Molecular consequence: missense variant.
Genome position (GRCh38, 1-based): chr9:131,144,720-131,144,721, TC replaced by AT. VCF-style: chr9-131144720-TC-AT. GRCh37 (hg19) VCF-style: chr9-134020107-TC-AT.
Other names: c.1735_1736delinsAT, p.Ser579Ile (NM_001318324.2); short protein forms S579I.
Identifiers: ClinVar variation 3781230 (VCV003781230.1).

ClinVar aggregate classification (germline): Uncertain significance (1 of 4 stars; one submission).

Submission:

GeneDx
Classification: Uncertain significance. Last evaluated: 2024-10-15. Review status: criteria provided, single submitter. Criteria: GeneDx Variant Classification Process June 2021. Collection method: clinical testing. Allele origin: germline. Affected: yes.
Comment: In silico analysis indicates that this variant does not alter protein structure/function; Has not been previously published as pathogenic or benign to our knowledge